The following is an entry in ClinVar:

ClinVar aggregate classification (germline): Uncertain significance (1 of 4 stars; one submission).

Allele frequency attached by ClinVar (database versions not stated): gnomAD 0.00001.
gnomAD v4.1: 16 of 1,314,520 alleles (0.0012%); highest among the groups gnomAD compares: Middle Eastern, 0.028%; no homozygotes.

Submission:

Labcorp Genetics (formerly Invitae), Labcorp
Classification: Uncertain significance. Last evaluated: 2021-06-20. Review status: criteria provided, single submitter. Criteria: Invitae Variant Classification Sherloc (09022015). Collection method: clinical testing. Allele origin: germline.
Comment: The frequency data for this variant in the population databases is considered unreliable, as metrics indicate insufficient coverage at this position in the ExAC database. In summary, the available evidence is currently insufficient to determine the role of this variant in disease. Therefore, it has been classified as a Variant of Uncertain Significance. Algorithms developed to predict the effect of missense changes on protein structure and function output the following: SIFT: "Tolerated"; PolyPhen-2: "Probably Damaging"; Align-GVGD: "Class C0". The arginine amino acid residue is found in multiple mammalian species, suggesting that this missense change does not adversely affect protein function. These predictions have not been confirmed by published functional studies and their clinical significance is uncertain. This variant has not been reported in the literature in individuals with HES7-related conditions. This sequence change replaces glycine with arginine at codon 208 of the HES7 protein (p.Gly208Arg). The glycine residue is moderately conserved and there is a moderate physicochemical difference between glycine and arginine.

NM_001165967.2(HES7):c.637G>C (p.Gly213Arg)

Genes: HES7 (hes family bHLH transcription factor 7; minus strand), LOC130060203 (ATAC-STARR-seq lymphoblastoid silent region 8155; plus strand). Cytogenetic location: 17p13.1.
Variant type: single nucleotide variant.
Coding change: c.637G>C on transcript NM_001165967.2 (MANE Select); coding-DNA position 637, G replaced by C.
Protein change: p.Gly213Arg; replaces glycine 213 with arginine.
Molecular consequence: missense variant.
Genome position (GRCh38, 1-based): chr17:8,121,627, C>G on the plus strand (G>C on the coding strand, the complement: HES7 is on the minus strand). VCF-style: chr17-8121627-C-G. GRCh37 (hg19) VCF-style: chr17-8024945-C-G.
Other names: c.622G>C, p.Gly208Arg (NM_032580.4); short protein forms G213R, G208R.
Identifiers: ClinVar variation 1502043 (VCV001502043.6), dbSNP rs1981326958, ClinGen allele CA397987088.